The following is an entry in ClinVar:

NM_000097.7(CPOX):c.745C>T (p.Pro249Ser)

Gene: CPOX (coproporphyrinogen oxidase; minus strand). Cytogenetic location: 3q11.2.
Variant type: single nucleotide variant.
Coding change: c.745C>T on transcript NM_000097.7 (MANE Select); coding-DNA position 745, C replaced by T.
Protein change: p.Pro249Ser; replaces proline 249 with serine.
Molecular consequence: missense variant.
Genome position (GRCh38, 1-based): chr3:98,590,698, G>A on the plus strand (C>T on the coding strand, the complement: CPOX is on the minus strand). VCF-style: chr3-98590698-G-A. GRCh37 (hg19) VCF-style: chr3-98309542-G-A.
Other names: short protein forms P249S.
Identifiers: ClinVar variation 1365903 (VCV001365903.9), dbSNP rs1707462390, ClinGen allele CA353645779.
Genomic context (GRCh38, chr3:98,590,698, plus strand): 5'-CTTCTTCTACTTCAAAGTATCTGTAGTTGAAATGGATAGTAGGAGCATGAGGATTCTTGG[G>A]GTGGATAACAGAGCTCACGCCCATAGCACAAAATGGCAATTTACCTGGAAAGTAAAATAT-3'
Protein context (NP_000088.3, residues 239-259): CAMGVSSVIH[Pro249Ser]KNPHAPTIHF

ClinVar aggregate classification (germline): Conflicting classifications of pathogenicity. Review status: criteria provided, conflicting classifications (1 of 4 stars). 2 submissions from 2 submitters: Likely pathogenic (1); Uncertain significance (1). Last evaluated 2024-09-03.

Conditions:
CPOX-related disorder. Also called: CPOX-related condition; CPOX-related disorders.

Allele frequency attached by ClinVar (database versions not stated): TOPMed below 0.00001; gnomAD 0.00001.
gnomAD v4.1: 2 of 1,613,832 alleles (0.00012%); highest among the groups gnomAD compares: Non-Finnish European, 0.00017%; no homozygotes.

Submissions (2):

Blueprint Genetics
Classification: Likely pathogenic for CPOX-related disorders. Last evaluated: 2024-09-03. Review status: criteria provided, single submitter. Criteria: ACMG Guidelines, 2015. Collection method: clinical testing. Allele origin: germline. Affected: yes. Observed: 1 variant allele.

Labcorp Genetics (formerly Invitae), Labcorp
Classification: Uncertain significance. Last evaluated: 2021-05-03. Review status: criteria provided, single submitter. Criteria: Invitae Variant Classification Sherloc (09022015). Collection method: clinical testing. Allele origin: germline.
Comment: Experimental studies have shown that this variant affects CPOX protein function (PMID: 16159891). This variant has been observed in individual(s) with autosomal dominant hereditary coproporphyria (PMID:9298818). This variant is also known as p.P149S. In summary, the available evidence is currently insufficient to determine the role of this variant in disease. Therefore, it has been classified as a Variant of Uncertain Significance. This variant disrupts the p.Pro249 amino acid residue in CPOX. Other variant(s) that disrupt this residue have been observed in individuals with CPOX-related conditions (PMID: 15896662), which suggests that this may be a clinically significant amino acid residue. This sequence change replaces proline with serine at codon 249 of the CPOX protein (p.Pro249Ser). The proline residue is highly conserved and there is a moderate physicochemical difference between proline and serine. This variant is not present in population databases (ExAC no frequency).

Literature cited by the submitters: PubMed 16159891 (cited by Labcorp Genetics (formerly Invitae), Labcorp); PubMed 9298818 (cited by Labcorp Genetics (formerly Invitae), Labcorp); PubMed 15896662 (cited by Labcorp Genetics (formerly Invitae), Labcorp).